The following is an entry in ClinVar:

NM_023110.3(FGFR1):c.-88-2089C>A

Gene: FGFR1 (fibroblast growth factor receptor 1; minus strand). Cytogenetic location: 8p11.23.
Variant type: single nucleotide variant.
Coding change: c.-88-2089C>A on transcript NM_023110.3 (MANE Select); 2089 bases into the intron before 88 bases upstream of the start codon, C replaced by A.
Molecular consequence: intron variant.
Genome position (GRCh38, 1-based): chr8:38,459,623, G>T on the plus strand (C>A on the coding strand, the complement: FGFR1 is on the minus strand). VCF-style: chr8-38459623-G-T. GRCh37 (hg19) VCF-style: chr8-38317141-G-T.
Other names: c.-88-2089C>A (NM_001354368.2, NM_001354370.2, NM_023106.3 and 8 more transcripts); c.-180-2089C>A (NM_001174064.2); c.11+1473C>A (NM_001174067.2).
Identifiers: ClinVar variation 2499073 (VCV002499073.28), dbSNP rs750246091, ClinGen allele CA175774706.

ClinVar aggregate classification (germline): Likely benign (1 of 4 stars; one submission).

Allele frequency attached by ClinVar (database versions not stated): TOPMed 0.00017; gnomAD 0.00023.
gnomAD v4.1: 35 of 152,184 alleles (0.023%); highest among the groups gnomAD compares: Middle Eastern, 0.68%; no homozygotes.

Submission:

CeGaT Center for Human Genetics Tuebingen
Classification: Likely benign. Last evaluated: 2025-05-01. Review status: criteria provided, single submitter. Criteria: CeGaT Center For Human Genetics Tuebingen Variant Classification Criteria Version 2. Collection method: clinical testing. Allele origin: germline. Affected: yes. Observed: 3 variant alleles.
Comment: FGFR1: BS1